The following is an entry in ClinVar:

ClinVar aggregate classification (germline): Uncertain significance (1 of 4 stars; one submission).

Conditions:
MN1-related disorder. Also called: MN1-related condition.

gnomAD v4.1: 1 of 1,602,166 alleles (0.000062%); no homozygotes.

Submission:

PreventionGenetics, part of Exact Sciences
Classification: Uncertain significance for MN1-related condition. Last evaluated: 2026-07-15. Review status: criteria provided, single submitter. Criteria: ACMG Guidelines, 2015. Collection method: clinical testing. Allele origin: germline.
Comment: The MN1 c.644A>G variant is predicted to result in the amino acid substitution p.His215Arg. To our knowledge, this variant has not been reported in the literature or in a large population database (gnomAD), indicating this variant is rare. At this time, the clinical significance of this variant is uncertain due to the absence of conclusive functional and genetic evidence.

NM_002430.3(MN1):c.644A>G (p.His215Arg)

Gene: MN1 (MN1 proto-oncogene, transcriptional regulator; minus strand). Cytogenetic location: 22q12.1.
Variant type: single nucleotide variant.
Coding change: c.644A>G on transcript NM_002430.3 (MANE Select); coding-DNA position 644, A replaced by G.
Protein change: p.His215Arg; replaces histidine 215 with arginine.
Molecular consequence: missense variant.
Genome position (GRCh38, 1-based): chr22:27,799,900, T>C on the plus strand (A>G on the coding strand, the complement: MN1 is on the minus strand). VCF-style: chr22-27799900-T-C. GRCh37 (hg19) VCF-style: chr22-28195888-T-C.
Other names: short protein forms H215R.
Identifiers: ClinVar variation 4996247 (VCV004996247.1).
Genomic context (GRCh38, chr22:27,799,900, plus strand): 5'-TAATTGTATTCCAGCGAGTCGACGGCTCCTTGGTTCGTCACCCTCCGTGGCTCCAGACTG[T>C]GGGAATCGGAGCCGCTGGAGGACGGCAGGCCGTGGAAGGAGGCGGCTCGGTTAGGGCTCT-3'
Protein context (NP_002421.3, residues 205-225): GLPSSSGSDS[His215Arg]SLEPRRVTNQ